The following is an entry in ClinVar:

NM_015311.3(OBSL1):c.1573G>A (p.Glu525Lys)

Gene: OBSL1 (obscurin like cytoskeletal adaptor 1; minus strand). Cytogenetic location: 2q35.
Variant type: single nucleotide variant.
Coding change: c.1573G>A on transcript NM_015311.3 (MANE Select); coding-DNA position 1573, G replaced by A.
Protein change: p.Glu525Lys; replaces glutamic acid 525 with lysine.
Molecular consequence: missense variant.
Genome position (GRCh38, 1-based): chr2:219,567,537, C>T on the plus strand (G>A on the coding strand, the complement: OBSL1 is on the minus strand). VCF-style: chr2-219567537-C-T. GRCh37 (hg19) VCF-style: chr2-220432259-C-T.
Other names: c.1573G>A, p.Glu525Lys (NM_001173408.2, NM_001173431.2); short protein forms E525K.
Identifiers: ClinVar variation 5008231 (VCV005008231.1).

ClinVar aggregate classification (germline): Uncertain significance (1 of 4 stars; one submission).

Submission:

GeneDx
Classification: Uncertain significance. Last evaluated: 2026-02-27. Review status: criteria provided, single submitter. Criteria: GeneDx Variant Classification Process June 2021. Collection method: clinical testing. Allele origin: germline.
Comment: Not observed at significant frequency in large population cohorts (gnomAD); In silico analysis suggests that this missense variant does not alter protein structure/function; Has not been previously published as pathogenic or benign to our knowledge; In silico analysis is inconclusive as to whether the variant alters gene splicing. In the absence of RNA/functional studies, the actual effect of this sequence change is unknown.